The following is an entry in ClinVar:

NM_001735.3(C5):c.3940G>A (p.Asp1314Asn)

Gene: C5 (complement C5; minus strand). Cytogenetic location: 9q33.2.
Variant type: single nucleotide variant.
Coding change: c.3940G>A on transcript NM_001735.3 (MANE Select); coding-DNA position 3940, G replaced by A.
Protein change: p.Asp1314Asn; replaces aspartic acid 1314 with asparagine.
Molecular consequence: missense variant.
Genome position (GRCh38, 1-based): chr9:120,974,856, C>T on the plus strand (G>A on the coding strand, the complement: C5 is on the minus strand). VCF-style: chr9-120974856-C-T. GRCh37 (hg19) VCF-style: chr9-123737134-C-T.
Other names: c.3958G>A, p.Asp1320Asn (NM_001317163.2); short protein forms D1314N, D1320N.
Identifiers: ClinVar variation 1444728 (VCV001444728.8), dbSNP rs771283592, ClinGen allele CA5217349.

ClinVar aggregate classification (germline): Conflicting classifications of pathogenicity. Review status: criteria provided, conflicting classifications (1 of 4 stars). 2 submissions from 2 submitters: Uncertain significance (1); Likely benign (1). Last evaluated 2025-08-18.

Allele frequency attached by ClinVar (database versions not stated): TOPMed 0.00006; gnomAD 0.00008 and 0.00009; gnomAD exomes 0.00010 and 0.00012; ExAC 0.00012.
gnomAD v4.1: 165 of 1,613,762 alleles (0.01%); highest among the groups gnomAD compares: Middle Eastern, 0.099%; no homozygotes.

Submissions (2):

Labcorp Genetics (formerly Invitae), Labcorp
Classification: Uncertain significance. Last evaluated: 2025-08-18. Review status: criteria provided, single submitter. Criteria: Invitae Variant Classification Sherloc (09022015). Collection method: clinical testing. Allele origin: germline.
Comment: This sequence change replaces aspartic acid, which is acidic and polar, with asparagine, which is neutral and polar, at codon 1314 of the C5 protein (p.Asp1314Asn). This variant is present in population databases (rs771283592, gnomAD 0.07%). This variant has not been reported in the literature in individuals affected with C5-related conditions. ClinVar contains an entry for this variant (Variation ID: 1444728). Invitae Evidence Modeling of protein sequence and biophysical properties (such as structural, functional, and spatial information, amino acid conservation, physicochemical variation, residue mobility, and thermodynamic stability) indicates that this missense variant is not expected to disrupt C5 protein function with a negative predictive value of 80%. In summary, the available evidence is currently insufficient to determine the role of this variant in disease. Therefore, it has been classified as a Variant of Uncertain Significance.

Blueprint Genetics
Classification: Likely benign. Last evaluated: 2024-09-15. Review status: criteria provided, single submitter. Criteria: ACMG Guidelines, 2015. Collection method: clinical testing. Allele origin: germline.